The following is an entry in ClinVar:

ClinVar aggregate classification (germline): Uncertain significance (1 of 4 stars; one submission).

Conditions:
Familial thoracic aortic aneurysm and aortic dissection (TAAD). Also called: Thoracic aortic aneurysms and dissections. Identifiers: Orphanet 91387, MedGen C4707243, MONDO:0019625.

Submission:

Labcorp Genetics (formerly Invitae), Labcorp
Classification: Uncertain significance for Familial thoracic aortic aneurysm and aortic dissection. Last evaluated: 2021-12-24. Review status: criteria provided, single submitter. Criteria: Invitae Variant Classification Sherloc (09022015). Collection method: clinical testing. Allele origin: germline.
Comment: Advanced modeling of protein sequence and biophysical properties (such as structural, functional, and spatial information, amino acid conservation, physicochemical variation, residue mobility, and thermodynamic stability) performed at Invitae indicates that this missense variant is not expected to disrupt TGFBR2 protein function. In summary, the available evidence is currently insufficient to determine the role of this variant in disease. Therefore, it has been classified as a Variant of Uncertain Significance. This variant has not been reported in the literature in individuals affected with TGFBR2-related conditions. This variant is not present in population databases (gnomAD no frequency). This sequence change replaces glutamine, which is neutral and polar, with lysine, which is basic and polar, at codon 49 of the TGFBR2 protein (p.Gln49Lys).

NM_003242.6(TGFBR2):c.145C>A (p.Gln49Lys)

Gene: TGFBR2 (transforming growth factor beta receptor 2; plus strand). Cytogenetic location: 3p24.1.
Variant type: single nucleotide variant.
Coding change: c.145C>A on transcript NM_003242.6 (MANE Select); coding-DNA position 145, C replaced by A.
Protein change: p.Gln49Lys; replaces glutamine 49 with lysine.
Molecular consequence: missense variant.
Genome position (GRCh38, 1-based): chr3:30,644,797, C>A. VCF-style: chr3-30644797-C-A. GRCh37 (hg19) VCF-style: chr3-30686289-C-A.
Other names: c.220C>A, p.Gln74Lys (NM_001024847.3, NM_001407126.1, NM_001407139.1); c.145C>A, p.Gln49Lys (NM_001407127.1, NM_001407130.1); c.172C>A, p.Gln58Lys (NM_001407128.1); c.40C>A, p.Gln14Lys (NM_001407129.1, NM_001407132.1, NM_001407133.1 and 3 more transcripts); short protein forms Q74K, Q58K, Q14K, Q49K.
Identifiers: ClinVar variation 2056649 (VCV002056649.4), dbSNP rs2470510031, ClinGen allele CA351806397.